The following is an entry in ClinVar:

NM_001384140.1(PCDH15):c.1304A>C (p.Asp435Ala)

Gene: PCDH15 (protocadherin related 15; minus strand). Cytogenetic location: 10q21.1.
Variant type: single nucleotide variant.
Coding change: c.1304A>C on transcript NM_001384140.1 (MANE Select); coding-DNA position 1304, A replaced by C.
Protein change: p.Asp435Ala; replaces aspartic acid 435 with alanine.
Molecular consequence: missense variant.
Genome position (GRCh38, 1-based): chr10:54,195,684, T>G on the plus strand (A>C on the coding strand, the complement: PCDH15 is on the minus strand). VCF-style: chr10-54195684-T-G. GRCh37 (hg19) VCF-style: chr10-55955444-T-G.
Other names: c.1319A>C, p.Asp440Ala (NM_001142763.2, NM_001142769.4, NM_001142771.2); c.1304A>C, p.Asp435Ala (NM_001142764.2, NM_001142765.2, NM_001142766.2 and 7 more transcripts); c.1193A>C, p.Asp398Ala (NM_001142767.2); c.1238A>C, p.Asp413Ala (NM_001142768.2, NM_001142773.2, NM_001354404.2); short protein forms D435A, D413A, D440A, D398A.
Identifiers: ClinVar variation 46440 (VCV000046440.42), dbSNP rs4935502, ClinGen allele CA138370.

ClinVar aggregate classification (germline): Benign. Review status: criteria provided, multiple submitters, no conflicts (2 of 4 stars). 13 submissions from 13 submitters: Benign (12). 1 of the submissions does not count toward it. Last evaluated 2026-02-04.

Conditions:
Usher syndrome type 1 (USH1). Also called: RETINITIS PIGMENTOSA AND CONGENITAL DEAFNESS. Identifiers: Orphanet 231169, Orphanet 886, MedGen C1568247, MONDO:0010168, OMIM 276900.
Usher syndrome type 1F (USH1F). Also called: USHER SYNDROME, TYPE IF. Identifiers: Orphanet 231169, Orphanet 886, MedGen C1865885, MONDO:0011186, OMIM 602083.

Allele frequency attached by ClinVar (database versions not stated): ESP Exome Variant Server 0.13163; gnomAD 0.15952 and 0.17602; gnomAD exomes 0.17649 and 0.23983; TOPMed 0.18246; ExAC 0.23802; 1000 Genomes Project 30x 0.32917; 1000 Genomes Project 0.34525.
gnomAD v4.1: 285,681 of 1,610,574 alleles (18%); highest among the groups gnomAD compares: East Asian, 87%; 39,899 homozygotes.

Submissions (13):

Labcorp Genetics (formerly Invitae), Labcorp
Classification: Benign. Last evaluated: 2026-02-04. Review status: criteria provided, single submitter. Criteria: Invitae Variant Classification Sherloc (09022015). Collection method: clinical testing. Allele origin: germline.

Blueprint Genetics
Classification: Benign. Last evaluated: 2024-11-27. Review status: criteria provided, single submitter. Criteria: ACMG Guidelines, 2015. Collection method: clinical testing. Allele origin: germline.

ARUP Laboratories, Molecular Genetics and Genomics, ARUP Laboratories
Classification: Benign. Last evaluated: 2023-11-29. Review status: criteria provided, single submitter. Criteria: ARUP Molecular Germline Variant Investigation Process 2024. Collection method: clinical testing. Allele origin: germline.

Genome-Nilou Lab
Classification: Benign for Usher syndrome type 1F. Last evaluated: 2021-07-01. Review status: criteria provided, single submitter. Criteria: ACMG Guidelines, 2015. Collection method: clinical testing. Allele origin: germline. Affected: no.

Mayo Clinic Laboratories, Mayo Clinic
Classification: Benign. Last evaluated: 2021-03-08. Review status: criteria provided, single submitter. Criteria: ACMG Guidelines, 2015. Collection method: clinical testing. Allele origin: germline. Observed: 52 variant alleles.

Mendelics
Classification: Benign for Usher syndrome type 1F. Last evaluated: 2019-05-28. Review status: criteria provided, single submitter. Criteria: Mendelics Assertion Criteria 2017. Collection method: clinical testing. Allele origin: unknown.

GeneDx
Classification: Benign. Last evaluated: 2019-01-08. Review status: criteria provided, single submitter. Criteria: GeneDx Variant Classification Process June 2021. Collection method: clinical testing. Allele origin: germline. Affected: yes.
Comment: This variant is associated with the following publications: (PMID: 19816713, 27275418, 22815625)

Illumina Laboratory Services, Illumina
Classification: Benign for Usher syndrome type 1. Last evaluated: 2018-01-13. Review status: criteria provided, single submitter. Criteria: ICSL Variant Classification Criteria 13 December 2019. Collection method: clinical testing. Allele origin: germline.
Comment: This variant was observed in the ICSL laboratory as part of a predisposition screen in an ostensibly healthy population. It had not been previously curated by ICSL or reported in the Human Gene Mutation Database (HGMD: prior to June 1st, 2018), and was therefore a candidate for classification through an automated scoring system. Utilizing variant allele frequency, disease prevalence and penetrance estimates, and inheritance mode, an automated score was calculated to assess if this variant is too frequent to cause the disease. Based on the score and internal cut-off values, a variant classified as benign is not then subjected to further curation. The score for this variant resulted in a classification of benign for this disease.

Eurofins Ntd Llc (ga)
Classification: Benign. Last evaluated: 2017-06-21. Review status: criteria provided, single submitter. Criteria: EGL Classification Definitions 2015. Collection method: clinical testing. Allele origin: germline. Observed: 1 variant allele, 1 heterozygote.

Laboratory for Molecular Medicine, Mass General Brigham Personalized Medicine
Classification: Benign. Last evaluated: 2009-06-23. Review status: criteria provided, single submitter. Criteria: LMM Criteria. Collection method: clinical testing. Allele origin: germline. Observed: 732 variant alleles.

Breakthrough Genomics
Classification: Benign. Review status: criteria provided, single submitter. Criteria: ACMG Guidelines, 2015. Collection method: not provided. Allele origin: germline. Inheritance: Autosomal recessive inheritance. Affected: yes.

PreventionGenetics, part of Exact Sciences
Classification: Benign. Review status: criteria provided, single submitter. Criteria: ACMG Guidelines, 2015. Collection method: clinical testing. Allele origin: germline.

Natera, Inc.
Classification: Benign for Usher syndrome type 1F. Last evaluated: 2020-09-16. Review status: no assertion criteria provided. Collection method: clinical testing. Allele origin: germline. Not counted in ClinVar's aggregate classification.